The following is an entry in ClinVar:

NM_012254.3(SLC27A5):c.2052T>C (p.Cys684=)

Gene: SLC27A5 (solute carrier family 27 member 5; minus strand). Cytogenetic location: 19q13.43.
Variant type: single nucleotide variant.
Coding change: c.2052T>C on transcript NM_012254.3 (MANE Select); coding-DNA position 2052, T replaced by C.
Protein change: p.Cys684=; no amino-acid change (cysteine 684 retained).
Molecular consequence: synonymous variant.
Genome position (GRCh38, 1-based): chr19:58,498,536, A>G on the plus strand (T>C on the coding strand, the complement: SLC27A5 is on the minus strand). VCF-style: chr19-58498536-A-G. GRCh37 (hg19) VCF-style: chr19-59009903-A-G.
Other names: c.1800T>C, p.Cys600= (NM_001321196.2).
Identifiers: ClinVar variation 3030342 (VCV003030342.2), dbSNP rs536222541, ClinGen allele CA9717735.

ClinVar aggregate classification (germline): Likely benign (0 of 4 stars; one submission).

Conditions:
SLC27A5-related disorder. Also called: SLC27A5-related condition.

Allele frequency attached by ClinVar (database versions not stated): gnomAD exomes below 0.00001; TOPMed 0.00001; ExAC 0.00002; gnomAD 0.00005; 1000 Genomes Project 0.00020; 1000 Genomes Project 30x 0.00031.
gnomAD v4.1: 12 of 1,612,948 alleles (0.00074%); highest among the groups gnomAD compares: Middle Eastern, 0.033%; no homozygotes.

Submission:

PreventionGenetics, part of Exact Sciences
Classification: Likely benign for SLC27A5-related condition. Last evaluated: 2022-06-01. Review status: no assertion criteria provided. Collection method: clinical testing. Allele origin: germline.
Comment: This variant is classified as likely benign based on ACMG/AMP sequence variant interpretation guidelines (Richards et al. 2015 PMID: 25741868, with internal and published modifications).